The following is an entry in ClinVar:

NM_001278064.2(GRM1):c.2962A>G (p.Thr988Ala)

Gene: GRM1 (glutamate metabotropic receptor 1; plus strand). Cytogenetic location: 6q24.3.
Variant type: single nucleotide variant.
Coding change: c.2962A>G on transcript NM_001278064.2 (MANE Select); coding-DNA position 2962, A replaced by G.
Protein change: p.Thr988Ala; replaces threonine 988 with alanine.
Molecular consequence: missense variant. On other transcripts: 3 prime UTR variant (3).
Genome position (GRCh38, 1-based): chr6:146,434,173, A>G. VCF-style: chr6-146434173-A-G. GRCh37 (hg19) VCF-style: chr6-146755309-A-G.
Other names: c.*326A>G (NM_001278065.2); c.*291A>G (NM_001278066.1); c.*200A>G (NM_001278067.1); short protein forms T988A.
Identifiers: ClinVar variation 804882 (VCV000804882.3), dbSNP rs1583495145, ClinGen allele CA366192761.

ClinVar aggregate classification (germline): Uncertain significance. Review status: criteria provided, multiple submitters, no conflicts (2 of 4 stars). 3 submissions from 3 submitters: Uncertain significance (2). 1 of the submissions does not count toward it. Last evaluated 2021-08-27.

Conditions:
GRM1-related disorder. Also called: GRM1-related condition.

Allele frequency attached by ClinVar (database versions not stated): gnomAD exomes below 0.00001.
gnomAD v4.1: 4 of 1,612,798 alleles (0.00025%); highest among the groups gnomAD compares: Non-Finnish European, 0.00034%; no homozygotes.

Submissions (3):

Blueprint Genetics
Classification: Uncertain significance. Last evaluated: 2021-08-27. Review status: criteria provided, single submitter. Criteria: ACMG Guidelines, 2015. Collection method: clinical testing. Allele origin: germline.

Athena Diagnostics
Classification: Uncertain significance. Last evaluated: 2019-06-11. Review status: criteria provided, single submitter. Criteria: Athena Diagnostics Criteria. Collection method: clinical testing. Allele origin: germline.

PreventionGenetics, part of Exact Sciences
Classification: Uncertain significance for GRM1-related condition. Last evaluated: 2024-08-28. Review status: no assertion criteria provided. Collection method: clinical testing. Allele origin: germline. Not counted in ClinVar's aggregate classification.
Comment: The GRM1 c.2962A>G variant is predicted to result in the amino acid substitution p.Thr988Ala. To our knowledge, this variant has not been reported in the literature or in a large population database, indicating this variant is rare. At this time, the clinical significance of this variant is uncertain due to the absence of conclusive functional and genetic evidence.